The following is an entry in ClinVar:

ClinVar aggregate classification (germline): Uncertain significance. Review status: criteria provided, multiple submitters, no conflicts (2 of 4 stars). 3 submissions from 3 submitters: Uncertain significance (3). Last evaluated 2025-08-28.

Conditions:
Inborn genetic diseases. Identifiers: MedGen C0950123, MeSH D030342.

Allele frequency attached by ClinVar (database versions not stated): ExAC 0.00001; gnomAD 0.00001; gnomAD exomes 0.00002 and 0.00006; TOPMed 0.00003.
gnomAD v4.1: 84 of 1,613,696 alleles (0.0052%); highest among the groups gnomAD compares: Middle Eastern, 0.016%; no homozygotes.

Submissions (3):

Ambry Genetics
Classification: Uncertain significance for Inborn genetic diseases. Last evaluated: 2025-08-28. Review status: criteria provided, single submitter. Criteria: Ambry Variant Classification Scheme 2023. Collection method: clinical testing. Allele origin: germline.

Labcorp Genetics (formerly Invitae), Labcorp
Classification: Uncertain significance. Last evaluated: 2024-10-07. Review status: criteria provided, single submitter. Criteria: Invitae Variant Classification Sherloc (09022015). Collection method: clinical testing. Allele origin: germline.
Comment: This sequence change replaces arginine, which is basic and polar, with glutamine, which is neutral and polar, at codon 1213 of the MYH3 protein (p.Arg1213Gln). This variant is present in population databases (rs773055884, gnomAD 0.007%). This variant has not been reported in the literature in individuals affected with MYH3-related conditions. ClinVar contains an entry for this variant (Variation ID: 1363318). Invitae Evidence Modeling of protein sequence and biophysical properties (such as structural, functional, and spatial information, amino acid conservation, physicochemical variation, residue mobility, and thermodynamic stability) indicates that this missense variant is not expected to disrupt MYH3 protein function with a negative predictive value of 95%. In summary, the available evidence is currently insufficient to determine the role of this variant in disease. Therefore, it has been classified as a Variant of Uncertain Significance.

CeGaT Center for Human Genetics Tuebingen
Classification: Uncertain significance. Last evaluated: 2023-09-01. Review status: criteria provided, single submitter. Criteria: CeGaT Center For Human Genetics Tuebingen Variant Classification Criteria Version 2. Collection method: clinical testing. Allele origin: germline. Affected: yes. Observed: 1 variant allele.
Comment: MYH3: PM2, PP3

NM_002470.4(MYH3):c.3638G>A (p.Arg1213Gln)

Gene: MYH3 (myosin heavy chain 3; minus strand). Cytogenetic location: 17p13.1.
Variant type: single nucleotide variant.
Coding change: c.3638G>A on transcript NM_002470.4 (MANE Select); coding-DNA position 3638, G replaced by A.
Protein change: p.Arg1213Gln; replaces arginine 1213 with glutamine.
Molecular consequence: missense variant.
Genome position (GRCh38, 1-based): chr17:10,638,134, C>T on the plus strand (G>A on the coding strand, the complement: MYH3 is on the minus strand). VCF-style: chr17-10638134-C-T. GRCh37 (hg19) VCF-style: chr17-10541451-C-T.
Other names: c.3638G>A (NM_002470.3); short protein forms R1213Q.
Identifiers: ClinVar variation 1363318 (VCV001363318.29), dbSNP rs773055884, ClinGen allele CA8392458.